The following is an entry in ClinVar:

NM_020297.4(ABCC9):c.2237+216C>G

Gene: ABCC9 (ATP binding cassette subfamily C member 9; minus strand). Cytogenetic location: 12p12.1.
Variant type: single nucleotide variant.
Coding change: c.2237+216C>G on transcript NM_020297.4 (MANE Select); 216 bases into the intron after coding-DNA position 2237, C replaced by G.
Molecular consequence: intron variant.
Genome position (GRCh38, 1-based): chr12:21,864,223, G>C on the plus strand (C>G on the coding strand, the complement: ABCC9 is on the minus strand). VCF-style: chr12-21864223-G-C. GRCh37 (hg19) VCF-style: chr12-22017157-G-C.
Other names: NC_000012.11:g.22017157G>C; c.1373+216C>G (NM_001377274.1); c.2237+216C>G (NM_005691.4, NM_001377273.1).
Identifiers: ClinVar variation 673826 (VCV000673826.2), dbSNP rs11046217, ClinGen allele CA13762971.

ClinVar aggregate classification (germline): Benign (1 of 4 stars; one submission).

Allele frequency attached by ClinVar (database versions not stated): TOPMed 0.02840; gnomAD 0.03862 and 0.03988; 1000 Genomes Project 30x 0.01390; 1000 Genomes Project 0.01458.
gnomAD v4.1: 5,835 of 152,226 alleles (3.8%); highest among the groups gnomAD compares: Non-Finnish European, 5.5%; 188 homozygotes.

Submissions (11):

GeneDx
Classification: Benign. Last evaluated: 2018-06-14. Review status: criteria provided, single submitter. Criteria: GeneDx Variant Classification (06012015). Collection method: clinical testing. Allele origin: germline. Affected: yes.
Comment: This variant is considered likely benign or benign based on one or more of the following criteria: it is a conservative change, it occurs at a poorly conserved position in the protein, it is predicted to be benign by multiple in silico algorithms, and/or has population frequency not consistent with disease.

Dr. Peter K. Rogan Lab, Western University
No classification provided (evidence only). Condition: Lung cancer. Review status: no classification provided. Collection method: in vitro. Allele origin: not applicable. Functional consequence: retained intron. Not counted in ClinVar's aggregate classification.

Dr. Peter K. Rogan Lab, Western University
No classification provided (evidence only). Condition: Uterine corpus endometrial carcinoma. Review status: no classification provided. Collection method: in vitro. Allele origin: not applicable. Functional consequence: retained intron. Not counted in ClinVar's aggregate classification.

Dr. Peter K. Rogan Lab, Western University
No classification provided (evidence only). Condition: Sarcoma. Review status: no classification provided. Collection method: in vitro. Allele origin: not applicable. Functional consequence: skipped exon, retained intron. Not counted in ClinVar's aggregate classification.

Dr. Peter K. Rogan Lab, Western University
No classification provided (evidence only). Condition: Sarcoma. Review status: no classification provided. Collection method: in vitro. Allele origin: not applicable. Functional consequence: skipped exon. Not counted in ClinVar's aggregate classification.

Dr. Peter K. Rogan Lab, Western University
No classification provided (evidence only). Condition: Sarcoma. Review status: no classification provided. Collection method: in vitro. Allele origin: not applicable. Functional consequence: skipped exon, retained intron. Not counted in ClinVar's aggregate classification.

Dr. Peter K. Rogan Lab, Western University
No classification provided (evidence only). Condition: Sarcoma. Review status: no classification provided. Collection method: in vitro. Allele origin: not applicable. Functional consequence: retained intron. Not counted in ClinVar's aggregate classification.

Dr. Peter K. Rogan Lab, Western University
No classification provided (evidence only). Condition: Sarcoma. Review status: no classification provided. Collection method: in vitro. Allele origin: not applicable. Functional consequence: skipped exon, retained intron. Not counted in ClinVar's aggregate classification.

Dr. Peter K. Rogan Lab, Western University
No classification provided (evidence only). Condition: Sarcoma. Review status: no classification provided. Collection method: in vitro. Allele origin: not applicable. Functional consequence: skipped exon, retained intron. Not counted in ClinVar's aggregate classification.

Dr. Peter K. Rogan Lab, Western University
No classification provided (evidence only). Condition: Sarcoma. Review status: no classification provided. Collection method: in vitro. Allele origin: not applicable. Functional consequence: skipped exon, retained intron. Not counted in ClinVar's aggregate classification.

Dr. Peter K. Rogan Lab, Western University
No classification provided (evidence only). Condition: Malignant tumor of esophagus. Review status: no classification provided. Collection method: in vitro. Allele origin: not applicable. Functional consequence: retained intron. Not counted in ClinVar's aggregate classification.